The following is an entry in ClinVar:

NM_000059.4(BRCA2):c.10057T>C (p.Leu3353=)

Gene: BRCA2 (BRCA2 DNA repair associated; plus strand). Cytogenetic location: 13q13.1.
Variant type: single nucleotide variant.
Coding change: c.10057T>C on transcript NM_000059.4 (MANE Select); coding-DNA position 10057, T replaced by C.
Protein change: p.Leu3353=; no amino-acid change (leucine 3353 retained).
Molecular consequence: synonymous variant.
Genome position (GRCh38, 1-based): chr13:32,398,570, T>C. VCF-style: chr13-32398570-T-C. GRCh37 (hg19) VCF-style: chr13-32972707-T-C.
Identifiers: ClinVar variation 427548 (VCV000427548.17), dbSNP rs760122577, ClinGen allele CA6941466.

ClinVar aggregate classification (germline): Likely benign. Review status: reviewed by expert panel (3 of 4 stars). 5 submissions from 5 submitters: Likely benign (1). 4 of the submissions do not count toward it. Last evaluated 2017-06-29.

Conditions:
Hereditary cancer-predisposing syndrome. Also called: Hereditary Cancer Syndrome; Tumor predisposition; Hereditary neoplastic syndrome; Neoplastic Syndromes, Hereditary. Identifiers: Orphanet 140162, MedGen C0027672, MeSH D009386, MONDO:0015356.
Breast-ovarian cancer, familial, susceptibility to, 2 (BROVCA2). Also called: BRCA2 Hereditary Breast and Ovarian Cancer. Identifiers: Orphanet 145, MedGen C2675520, MONDO:0012933, OMIM 612555. Disease mechanism: loss of function.
Hereditary breast ovarian cancer syndrome. Also called: Hereditary breast and ovarian cancer syndrome; Hereditary breast and/or ovarian cancer syndrome; Hereditary breast and ovarian cancer syndrome (HBOC); Hereditary breast and ovarian cancer; Breast and ovarian cancer; BRCA1- and BRCA2-Associated Hereditary Breast and Ovarian Cancer. Identifiers: Orphanet 145, MedGen C0677776, MeSH D061325, MONDO:0003582. Disease mechanism: loss of function.

Allele frequency attached by ClinVar (database versions not stated): gnomAD exomes below 0.00001; ExAC 0.00001.
gnomAD v4.1: 2 of 1,614,166 alleles (0.00012%); highest among the groups gnomAD compares: Non-Finnish European, 0.00017%; no homozygotes.

Submissions (5):

Evidence-based Network for the Interpretation of Germline Mutant Alleles (ENIGMA)
Classification: Likely benign for Breast-ovarian cancer, familial, susceptibility to, 2. Last evaluated: 2017-06-29. Review status: reviewed by expert panel. Criteria: ENIGMA BRCA1/2 Classification Criteria (2017-06-29). Collection method: curation. Allele origin: germline.
Comment: Synonymous substitution variant, with low bioinformatic likelihood to result in a splicing aberration (Splicing prior probability 0.02).

Ambry Genetics
Classification: Likely benign for Hereditary cancer-predisposing syndrome. Last evaluated: 2026-03-23. Review status: criteria provided, single submitter. Criteria: Ambry Variant Classification Scheme 2023. Collection method: clinical testing. Allele origin: germline. Not counted in ClinVar's aggregate classification.

All of Us Research Program, National Institutes of Health
Classification: Likely benign for Breast-ovarian cancer, familial, susceptibility to, 2. Last evaluated: 2023-05-16. Review status: criteria provided, single submitter. Criteria: ACMG Guidelines, 2015. Collection method: clinical testing. Allele origin: germline. Inheritance: Autosomal dominant inheritance. Observed: 1 variant allele, 1 heterozygote. Not counted in ClinVar's aggregate classification.
Comment: This study involves interpretation of variants in research participants for the purpose of population health screening. Participant phenotype was not available at the time of variant classification. Additional details can be found in publication PMID: 35346344, PMCID: PMC8962531

Labcorp Genetics (formerly Invitae), Labcorp
Classification: Likely benign for Hereditary breast ovarian cancer syndrome. Last evaluated: 2021-09-18. Review status: criteria provided, single submitter. Criteria: Invitae Variant Classification Sherloc (09022015). Collection method: clinical testing. Allele origin: germline. Not counted in ClinVar's aggregate classification.

Color Diagnostics, LLC DBA Color Health
Classification: Likely benign for Hereditary cancer-predisposing syndrome. Last evaluated: 2018-07-31. Review status: criteria provided, single submitter. Criteria: ACMG Guidelines, 2015. Collection method: clinical testing. Allele origin: germline. Not counted in ClinVar's aggregate classification.